The following is an entry in ClinVar:

NM_014231.5(VAMP1):c.295A>G (p.Ile99Val)

Genes: TAPBPL (TAP binding protein like; plus strand), VAMP1 (vesicle associated membrane protein 1; minus strand). Cytogenetic location: 12p13.31.
Variant type: single nucleotide variant.
Coding change: c.295A>G on transcript NM_014231.5 (MANE Select); coding-DNA position 295, A replaced by G.
Protein change: p.Ile99Val; replaces isoleucine 99 with valine.
Molecular consequence: missense variant. On other transcripts: non-coding transcript variant (1).
Genome position (GRCh38, 1-based): chr12:6,464,935, T>C on the plus strand (A>G on the coding strand, the complement: VAMP1 is on the minus strand). VCF-style: chr12-6464935-T-C. GRCh37 (hg19) VCF-style: chr12-6574101-T-C.
Other names: c.295A>G, p.Ile99Val (NM_001297438.2, NM_016830.4, NM_199245.3); short protein forms I99V.
Identifiers: ClinVar variation 4814114 (VCV004814114.1).

ClinVar aggregate classification (germline): Uncertain significance (1 of 4 stars; one submission).

Conditions:
Spastic ataxia 1. Also called: Ataxia, spastic, 1, autosomal dominant. Identifiers: Orphanet 251282, MedGen C1970107, MONDO:0007164, OMIM 108600.

Submission:

OLLIN Analises Genomicas, OLLIN
Classification: Uncertain significance for Spastic ataxia 1. Last evaluated: 2026-02-13. Review status: criteria provided, single submitter. Criteria: ACMG Guidelines 2015 PMID 25741868. Collection method: clinical testing. Allele origin: germline. Observed: 1 variant allele.
Comment: PM2_P, BP4_M